The following is an entry in ClinVar:

ClinVar aggregate classification (germline): Uncertain significance (1 of 4 stars; one submission).

Conditions:
Saldino-Mainzer syndrome (SRTD9). Also called: short-rib thoracic dysplasia 9 with or without polydactyly; CONORENAL SYNDROME; Renal dysplasia, retinal pigmentary dystrophy, cerebellar ataxia and skeletal dysplasia; SHORT-RIB THORACIC DYSPLASIA 9 WITHOUT POLYDACTYLY. Identifiers: Orphanet 140969, MedGen C1849437, MONDO:0009964, OMIM 266920.

Submission:

Neuberg Centre For Genomic Medicine, NCGM
Classification: Uncertain significance for Saldino-Mainzer syndrome. Review status: criteria provided, single submitter. Criteria: ACMG Guidelines, 2015. Collection method: clinical testing. Allele origin: germline. Inheritance: Autosomal recessive inheritance. Affected: yes.
Comment: The missense variant in c.2990T>C(p.Val997Ala) in IFT140 gene has not been reported previously as a pathogenic variant nor as a benign variant, to our knowledge. The p.Val997Ala variant is novel (not in any individuals) in gnomAD Exomes and 1000 Genomes. The amino acid change p.Val997Ala in IFT140 is predicted as conserved by GERP++ and PhyloP across 100 vertebrates. The amino acid Val at position 997 is changed to a Ala changing protein sequence and it might alter its composition and physico-chemical properties. For these reasons, this variant has been classified as Uncertain Significance (VUS).

NM_014714.4(IFT140):c.2990T>C (p.Val997Ala)

Genes: IFT140 (intraflagellar transport 140; minus strand), LOC126862260 (CDK7 strongly-dependent group 2 enhancer GRCh37_chr16:1574508-1575707; plus strand). Cytogenetic location: 16p13.3.
Variant type: single nucleotide variant.
Coding change: c.2990T>C on transcript NM_014714.4 (MANE Select); coding-DNA position 2990, T replaced by C.
Protein change: p.Val997Ala; replaces valine 997 with alanine.
Molecular consequence: missense variant.
Genome position (GRCh38, 1-based): chr16:1,524,791, A>G on the plus strand (T>C on the coding strand, the complement: IFT140 is on the minus strand). VCF-style: chr16-1524791-A-G. GRCh37 (hg19) VCF-style: chr16-1574792-A-G.
Other names: short protein forms V997A.
Identifiers: ClinVar variation 2585083 (VCV002585083.1), dbSNP rs2506115581, ClinGen allele CA394226231.